The following is an entry in ClinVar:

NM_173685.4(NSMCE2):c.447C>T (p.Asp149=)

Gene: NSMCE2 (NSE2 SUMO ligase component of SMC5/6 complex; plus strand). Cytogenetic location: 8q24.13.
Variant type: single nucleotide variant.
Coding change: c.447C>T on transcript NM_173685.4 (MANE Select); coding-DNA position 447, C replaced by T.
Protein change: p.Asp149=; no amino-acid change (aspartic acid 149 retained).
Molecular consequence: synonymous variant. On other transcripts: non-coding transcript variant (1).
Genome position (GRCh38, 1-based): chr8:125,357,247, C>T. VCF-style: chr8-125357247-C-T. GRCh37 (hg19) VCF-style: chr8-126369489-C-T.
Other names: c.447C>T, p.Asp149= (NM_001349485.2, NM_001349486.2).
Identifiers: ClinVar variation 2658807 (VCV002658807.27), dbSNP rs184167565, ClinGen allele CA4874406.

ClinVar aggregate classification (germline): Likely benign. Review status: criteria provided, multiple submitters, no conflicts (2 of 4 stars). 2 submissions from 2 submitters: Likely benign (2). Last evaluated 2025-08-11.

Allele frequency attached by ClinVar (database versions not stated): TOPMed 0.00002; 1000 Genomes Project 30x 0.00047; 1000 Genomes Project 0.00060.
gnomAD v4.1: 67 of 1,613,058 alleles (0.0042%); highest among the groups gnomAD compares: South Asian, 0.022%; 1 homozygote.

Submissions (2):

Labcorp Genetics (formerly Invitae), Labcorp
Classification: Likely benign. Last evaluated: 2025-08-11. Review status: criteria provided, single submitter. Criteria: Invitae Variant Classification Sherloc (09022015). Collection method: clinical testing. Allele origin: germline.

CeGaT Center for Human Genetics Tuebingen
Classification: Likely benign. Last evaluated: 2022-11-01. Review status: criteria provided, single submitter. Criteria: CeGaT Center For Human Genetics Tuebingen Variant Classification Criteria Version 2. Collection method: clinical testing. Allele origin: germline. Affected: yes. Observed: 1 variant allele.
Comment: NSMCE2: BP4, BP7